The following is an entry in ClinVar:

NM_001130438.3(SPTAN1):c.2194-82A>G

Gene: SPTAN1 (spectrin alpha, non-erythrocytic 1; plus strand). Cytogenetic location: 9q34.11.
Variant type: single nucleotide variant.
Coding change: c.2194-82A>G on transcript NM_001130438.3 (MANE Select); 82 bases into the intron before coding-DNA position 2194, A replaced by G.
Molecular consequence: intron variant.
Genome position (GRCh38, 1-based): chr9:128,584,200, A>G. VCF-style: chr9-128584200-A-G. GRCh37 (hg19) VCF-style: chr9-131346479-A-G.
Other names: c.2230-82A>G (NM_001375318.1, NM_001375312.2); c.2194-82A>G (NM_001375311.2, NM_001375314.2, NM_001375310.1 and 5 more transcripts).
Identifiers: ClinVar variation 1240997 (VCV001240997.5), dbSNP rs4240431, ClinGen allele CA200381029.

ClinVar aggregate classification (germline): Benign. Review status: criteria provided, multiple submitters, no conflicts (2 of 4 stars). 3 submissions from 3 submitters: Benign (3). Last evaluated 2024-07-15.

Allele frequency attached by ClinVar (database versions not stated): TOPMed 0.96756; 1000 Genomes Project 30x 0.96799; gnomAD 0.96934 and 0.97144; 1000 Genomes Project 0.97324; gnomAD exomes 0.99728.
gnomAD v4.1: 1,596,015 of 1,604,480 alleles (99%); highest among the groups gnomAD compares: East Asian, 100%; 794,168 homozygotes.

Submissions (3):

Unidad de Genómica Garrahan, Hospital de Pediatría Garrahan
Classification: Benign. Last evaluated: 2024-07-15. Review status: criteria provided, single submitter. Criteria: ACMG Guidelines, 2015. Collection method: clinical testing. Allele origin: germline. Affected: no. Observed: 89 variant alleles.
Comment: This variant is classified as Benign based on local population frequency. This variant was detected in 96% of patients studied in a panel designed for Epileptic and Developmental Encephalopathy and Progressive Myoclonus Epilepsy. Number of patients: 89. Only high quality variants are reported.

GeneDx
Classification: Benign. Last evaluated: 2018-06-25. Review status: criteria provided, single submitter. Criteria: GeneDx Variant Classification Process June 2021. Collection method: clinical testing. Allele origin: germline. Affected: yes.

Breakthrough Genomics
Classification: Benign. Review status: criteria provided, single submitter. Criteria: ACMG Guidelines, 2015. Collection method: not provided. Allele origin: germline. Inheritance: Autosomal dominant inheritance. Affected: yes.